The following is an entry in ClinVar:

ClinVar aggregate classification (germline): Pathogenic. Review status: criteria provided, single submitter (1 of 4 stars). 2 submissions from 2 submitters: Pathogenic (1). 1 of the submissions does not count toward it. Last evaluated 2026-03-03.

Conditions:
Channelopathy-associated congenital insensitivity to pain, autosomal recessive. Also called: Insensitivity to pain, channelopathy-associated; ASYMBOLIA FOR PAIN; CONGENITAL ANALGESIA, AUTOSOMAL RECESSIVE. Identifiers: Orphanet 88642, Orphanet 970, MedGen C1855739, MONDO:0009459, OMIM 243000.

Allele frequency attached by ClinVar (database versions not stated): gnomAD exomes below 0.00001.
gnomAD v4.1: 5 of 1,613,172 alleles (0.00031%); highest among the groups gnomAD compares: East Asian, 0.0022%; no homozygotes.

Submissions (2):

Kasturba Medical College, Manipal, Kasturba Medical College, Manipal, Manipal Academy of Higher Education, Manipal, India
Classification: Pathogenic for Channelopathy-associated congenital insensitivity to pain, autosomal recessive. Last evaluated: 2026-03-03. Review status: criteria provided, single submitter. Criteria: ACMG Guidelines, 2015. Collection method: research. Allele origin: biparental. Inheritance: Autosomal recessive inheritance. Affected: yes. Observed: 1 variant allele, 1 homozygote.
Comment: This variant is absent in homozygous state and present in five individuals in heterozygous state in gnomAD population database (v.4.1.0). This canonical splice-site variant is predicted to cause aberrant splicing which can either lead to nonsense mediated mRNA decay or formation of a truncated protein product.

Laboratory of Functional Genomics, Research Centre for Medical Genetics
Classification: Pathogenic for Channelopathy-associated congenital insensitivity to pain, autosomal recessive. Review status: no assertion criteria provided. Collection method: research. Allele origin: maternal, not applicable. Inheritance: Autosomal recessive inheritance. Affected: yes. Not counted in ClinVar's aggregate classification.

Literature cited by the submitters: PubMed 32601768 (cited by Laboratory of Functional Genomics, Research Centre for Medical Genetics).

NM_001365536.1(SCN9A):c.596+1G>A

Gene: SCN9A (sodium voltage-gated channel alpha subunit 9; minus strand). Cytogenetic location: 2q24.3.
Variant type: single nucleotide variant.
Coding change: c.596+1G>A on transcript NM_001365536.1 (MANE Select); the canonical splice donor site of the intron after coding-DNA position 596, G replaced by A.
Molecular consequence: splice donor variant.
Genome position (GRCh38, 1-based): chr2:166,305,791, C>T on the plus strand (G>A on the coding strand, the complement: SCN9A is on the minus strand). VCF-style: chr2-166305791-C-T. GRCh37 (hg19) VCF-style: chr2-167162301-C-T.
Other names: c.596+1G>A (NM_002977.4).
Identifiers: ClinVar variation 1702989 (VCV001702989.5), dbSNP rs201560701, ClinGen allele CA59809223.